The following is an entry in ClinVar:

NM_001304360.2(CFAP74):c.1851G>A (p.Ser617=)

Gene: CFAP74 (cilia and flagella associated protein 74; minus strand). Cytogenetic location: 1p36.33.
Variant type: single nucleotide variant.
Coding change: c.1851G>A on transcript NM_001304360.2 (MANE Select); coding-DNA position 1851, G replaced by A.
Protein change: p.Ser617=; no amino-acid change (serine 617 retained).
Molecular consequence: synonymous variant.
Genome position (GRCh38, 1-based): chr1:1,959,120, C>T on the plus strand (G>A on the coding strand, the complement: CFAP74 is on the minus strand). VCF-style: chr1-1959120-C-T. GRCh37 (hg19) VCF-style: chr1-1890559-C-T.
Other names: NC_000001.10:g.1890559C>T.
Identifiers: ClinVar variation 3057108 (VCV003057108.11), dbSNP rs146150343, ClinGen allele CA533524.
Genomic context (GRCh38, chr1:1,959,120, plus strand): 5'-CACTGGGGTTCCCAGCCAGCATGCCCCGAGAAATGCTGGCTCGGACACCTTTGAACTCAC[C>T]GAACATTTCTTTGTTGAACATTTCAGTGGAACTGAAAACTCGCCCGTCTGAGCCAAAAAT-3'
Protein context (NP_001291289.1, residues 607-627): VPLKCSTKKC[Ser617=]LSLDKELIDF

ClinVar aggregate classification (germline): Likely benign. Review status: criteria provided, single submitter (1 of 4 stars). 2 submissions from 2 submitters: Likely benign (1). 1 of the submissions does not count toward it. Last evaluated 2026-02-01.

Conditions:
CFAP74-related disorder. Also called: CFAP74-related condition.

Allele frequency attached by ClinVar (database versions not stated): 1000 Genomes Project 0.00240; gnomAD 0.00241; ExAC 0.00248; TOPMed 0.00248; 1000 Genomes Project 30x 0.00281; gnomAD exomes 0.00286; ESP Exome Variant Server 0.00311.
gnomAD v4.1: 4,521 of 1,608,520 alleles (0.28%); highest among the groups gnomAD compares: South Asian, 0.4%; 9 homozygotes.

Submissions (6):

CeGaT Center for Human Genetics Tuebingen
Classification: Likely benign. Last evaluated: 2026-02-01. Review status: criteria provided, single submitter. Criteria: CeGaT Center For Human Genetics Tuebingen Variant Classification Criteria Version 2. Collection method: clinical testing. Allele origin: germline. Affected: yes. Observed: 2 variant alleles.
Comment: CFAP74: PP3, BS2

PreventionGenetics, part of Exact Sciences
Classification: Likely benign for CFAP74-related condition. Last evaluated: 2022-02-15. Review status: no assertion criteria provided. Collection method: clinical testing. Allele origin: germline. Not counted in ClinVar's aggregate classification.
Comment: This variant is classified as likely benign based on ACMG/AMP sequence variant interpretation guidelines (Richards et al. 2015 PMID: 25741868, with internal and published modifications).

Dr. Peter K. Rogan Lab, Western University
No classification provided (evidence only). Condition: Colon adenocarcinoma. Review status: no classification provided. Collection method: in vitro. Allele origin: not applicable. Functional consequence: retained intron. Not counted in ClinVar's aggregate classification.

Dr. Peter K. Rogan Lab, Western University
No classification provided (evidence only). Condition: Colorectal cancer. Review status: no classification provided. Collection method: in vitro. Allele origin: not applicable. Functional consequence: retained intron. Not counted in ClinVar's aggregate classification.

Dr. Peter K. Rogan Lab, Western University
No classification provided (evidence only). Condition: Thyroid cancer, nonmedullary, 1. Review status: no classification provided. Collection method: in vitro. Allele origin: not applicable. Functional consequence: retained intron. Not counted in ClinVar's aggregate classification.

Dr. Peter K. Rogan Lab, Western University
No classification provided (evidence only). Condition: Uterine corpus endometrial carcinoma. Review status: no classification provided. Collection method: in vitro. Allele origin: not applicable. Functional consequence: retained intron. Not counted in ClinVar's aggregate classification.